The following is an entry in ClinVar:

ClinVar aggregate classification (germline): Benign (1 of 4 stars; one submission).

Conditions:
Gastrointestinal stromal tumor. Also called: Gastrointestinal stromal tumor, somatic; Gastrointestinal stroma tumor. Identifiers: Orphanet 44890, MedGen C0238198, MeSH D046152, MONDO:0011719, OMIM 606764, HP:0100723.

Submission:

Myriad Genetics, Inc.
Classification: Benign for Gastrointestinal stromal tumor. Last evaluated: 2026-06-05. Review status: criteria provided, single submitter. Criteria: Myriad Autosomal Dominant, Autosomal Recessive and X-Linked Classification Criteria (2023). Collection method: clinical testing. Allele origin: unknown.
Comment: This variant is considered benign. This variant occurs in the non-coding 3' untranslated region of the gene, and is not expected to impact protein function.

NM_000222.3(KIT):c.*6dup

Gene: KIT (KIT proto-oncogene, receptor tyrosine kinase; plus strand). Cytogenetic location: 4q12.
Variant type: Duplication.
Coding change: c.*6dup on transcript NM_000222.3 (MANE Select); 6 bases downstream of the stop codon, one base duplicated (A; older notation c.*6dupA).
Molecular consequence: 3 prime UTR variant.
Genome position (GRCh38, 1-based): chr4:54,738,563, A duplicated; the last of 2 consecutive A bases (chr4:54,738,562-54,738,563); duplicating either gives the same sequence. VCF-style (leftmost placement, unchanged base first): chr4-54738561-G-GA. GRCh37 (hg19) VCF-style: chr4-55604727-G-GA.
Other names: c.*6dup (NM_001093772.2, NM_001385284.1, NM_001385285.1 and 4 more transcripts).
Identifiers: ClinVar variation 4876010 (VCV004876010.1).
Genomic context (GRCh38, chr4:54,738,561, plus strand): 5'-TCTGTCGGCAGCACCGCTTCCTCCTCCCAGCCTCTGCTTGTGCACGACGATGTCTGAGCA[G>GA]AATCAGTGTTTGGGTCACCCCTCCAGGAATGATCTCTTCTTTTGGCTTCCATGATGGTTA-3'